The following is an entry in ClinVar:

NM_001367479.1(DNAH14):c.4099C>A (p.Arg1367Ser)

Gene: DNAH14 (dynein axonemal heavy chain 14; plus strand). Cytogenetic location: 1q42.12.
Variant type: single nucleotide variant.
Coding change: c.4099C>A on transcript NM_001367479.1 (MANE Select); coding-DNA position 4099, C replaced by A.
Protein change: p.Arg1367Ser; replaces arginine 1367 with serine.
Molecular consequence: missense variant.
Genome position (GRCh38, 1-based): chr1:225,119,227, C>A. VCF-style: chr1-225119227-C-A. GRCh37 (hg19) VCF-style: chr1-225306929-C-A.
Other names: NM_001373.1:c.4099C>A; short protein forms R1367S.
Identifiers: ClinVar variation 2442772 (VCV002442772.2), dbSNP rs749639957, ClinGen allele CA38471920.

ClinVar aggregate classification (germline): Uncertain significance (1 of 4 stars; one submission).

gnomAD v4.1: 11 of 1,512,640 alleles (0.00073%); highest among the groups gnomAD compares: Non-Finnish European, 0.00097%; no homozygotes.

Submission:

GeneDx
Classification: Uncertain significance. Last evaluated: 2025-04-10. Review status: criteria provided, single submitter. Criteria: GeneDx Variant Classification Process June 2021. Collection method: clinical testing. Allele origin: germline. Affected: yes.
Comment: Not observed at significant frequency in large population cohorts (gnomAD); In silico analysis supports that this missense variant has a deleterious effect on protein structure/function; In silico analysis is inconclusive as to whether the variant alters gene splicing. In the absence of RNA/functional studies, the actual effect of this sequence change is unknown.; Has not been previously published as pathogenic or benign to our knowledge